The following is an entry in ClinVar:

ClinVar aggregate classification (germline): Uncertain significance (1 of 4 stars; one submission).

Allele frequency attached by ClinVar (database versions not stated): gnomAD exomes below 0.00001; TOPMed 0.00003; ESP Exome Variant Server 0.00008.
gnomAD v4.1: 1 of 1,613,082 alleles (0.000062%); highest among the groups gnomAD compares: African/African-American, 0.0013%; no homozygotes.

Submission:

GeneDx
Classification: Uncertain significance. Last evaluated: 2022-01-10. Review status: criteria provided, single submitter. Criteria: GeneDx Variant Classification Process June 2021. Collection method: clinical testing. Allele origin: germline. Affected: yes.
Comment: Not observed at significant frequency in large population cohorts (gnomAD); In silico analysis supports that this missense variant has a deleterious effect on protein structure/function; Has not been previously published as pathogenic or benign to our knowledge

NM_001271938.2(MEGF8):c.4835C>A (p.Pro1612His)

Gene: MEGF8 (multiple EGF like domains 8; plus strand). Cytogenetic location: 19q13.2.
Variant type: single nucleotide variant.
Coding change: c.4835C>A on transcript NM_001271938.2 (MANE Select); coding-DNA position 4835, C replaced by A.
Protein change: p.Pro1612His; replaces proline 1612 with histidine.
Molecular consequence: missense variant.
Genome position (GRCh38, 1-based): chr19:42,357,408, C>A. VCF-style: chr19-42357408-C-A. GRCh37 (hg19) VCF-style: chr19-42861560-C-A.
Other names: c.4634C>A, p.Pro1545His (NM_001410.3); short protein forms P1545H, P1612H.
Identifiers: ClinVar variation 1695741 (VCV001695741.2), dbSNP rs138397020, ClinGen allele CA308640665.